The following is an entry in ClinVar:

ClinVar aggregate classification (germline): Pathogenic (1 of 4 stars; one submission).

Conditions:
MOGS-congenital disorder of glycosylation. Also called: CDG 2B; CDG IIb; GLUCOSIDASE I DEFICIENCY; MOGS-CDG. Identifiers: Orphanet 79330, MedGen C1853736, MONDO:0011629, OMIM 606056.

Submission:

Labcorp Genetics (formerly Invitae), Labcorp
Classification: Pathogenic for MOGS-congenital disorder of glycosylation. Last evaluated: 2025-04-15. Review status: criteria provided, single submitter. Criteria: Invitae Variant Classification Sherloc (09022015). Collection method: clinical testing. Allele origin: germline.
Comment: This sequence change creates a premature translational stop signal (p.Ala360Glyfs*7) in the MOGS gene. While this is not anticipated to result in nonsense mediated decay, it is expected to disrupt the last 478 amino acid(s) of the MOGS protein. This variant is not present in population databases (gnomAD no frequency). This variant has not been reported in the literature in individuals affected with MOGS-related conditions. This variant disrupts a region of the MOGS protein in which other variant(s) (p.Arg535*) have been determined to be pathogenic (PMID: 29235540, 33261925). This suggests that this is a clinically significant region of the protein, and that variants that disrupt it are likely to be disease-causing. For these reasons, this variant has been classified as Pathogenic.

Literature cited by the submitters: PubMed 29235540; PubMed 33261925.

NM_006302.3(MOGS):c.1076dup (p.Ala360fs)

Gene: MOGS (mannosyl-oligosaccharide glucosidase; minus strand). Cytogenetic location: 2p13.1.
Variant type: Duplication.
Coding change: c.1076dup on transcript NM_006302.3 (MANE Select); coding-DNA position 1076, one base duplicated (A; older notation c.1076dupA).
Protein change: p.Ala360fs; shifts the reading frame from alanine 360.
Molecular consequence: frameshift variant.
Genome position (GRCh38, 1-based): chr2:74,462,713, T duplicated on the plus strand (A on the coding strand, the reverse complement: MOGS is on the minus strand). VCF-style (leftmost placement, unchanged base first): chr2-74462712-C-CT. GRCh37 (hg19) VCF-style: chr2-74689839-C-CT.
Other names: c.758dup, p.Ala254fs (NM_001146158.2); short protein forms A254fs, A360fs.
Identifiers: ClinVar variation 4717315 (VCV004717315.1).